The following is an entry in ClinVar:

ClinVar aggregate classification (germline): Benign. Review status: criteria provided, multiple submitters, no conflicts (2 of 4 stars). 3 submissions from 3 submitters: Benign (2). 1 of the submissions does not count toward it. Last evaluated 2018-08-17.

Conditions:
SIRT3-related disorder. Also called: SIRT3-related condition.

Allele frequency attached by ClinVar (database versions not stated): 1000 Genomes Project 0.00100; 1000 Genomes Project 30x 0.00109; TOPMed 0.00342; gnomAD exomes 0.00386 and 0.00588; ESP Exome Variant Server 0.00393; gnomAD 0.00401 and 0.00411; ExAC 0.00781.
gnomAD v4.1: 8,837 of 1,563,580 alleles (0.57%); highest among the groups gnomAD compares: Non-Finnish European, 0.66%; 33 homozygotes.

Submissions (3):

Labcorp Genetics (formerly Invitae), Labcorp
Classification: Benign. Last evaluated: 2018-08-17. Review status: criteria provided, single submitter. Criteria: Invitae Variant Classification Sherloc (09022015). Collection method: clinical testing. Allele origin: germline.

Breakthrough Genomics
Classification: Benign. Review status: criteria provided, single submitter. Criteria: ACMG Guidelines, 2015. Collection method: not provided. Allele origin: germline. Inheritance: Unknown mechanism. Affected: yes.

PreventionGenetics, part of Exact Sciences
Classification: Likely benign for SIRT3-related condition. Last evaluated: 2021-11-04. Review status: no assertion criteria provided. Collection method: clinical testing. Allele origin: germline. Not counted in ClinVar's aggregate classification.
Comment: This variant is classified as likely benign based on ACMG/AMP sequence variant interpretation guidelines (Richards et al. 2015 PMID: 25741868, with internal and published modifications).

NM_012239.6(SIRT3):c.235T>C (p.Phe79Leu)

Gene: SIRT3 (sirtuin 3; minus strand). Cytogenetic location: 11p15.5.
Variant type: single nucleotide variant.
Coding change: c.235T>C on transcript NM_012239.6 (MANE Select); coding-DNA position 235, T replaced by C.
Protein change: p.Phe79Leu; replaces phenylalanine 79 with leucine.
Molecular consequence: missense variant. On other transcripts: non-coding transcript variant (4), intron variant (12).
Genome position (GRCh38, 1-based): chr11:236,094, A>G on the plus strand (T>C on the coding strand, the complement: SIRT3 is on the minus strand). VCF-style: chr11-236094-A-G. GRCh37 (hg19) VCF-style: chr11-236094-A-G.
Other names: c.235T>C, p.Phe79Leu (NM_001370310.1, NM_001370312.1, NM_001370314.1); c.-146+597T>C (NM_001370324.1, NM_001370320.1); c.-146+595T>C (NM_001370319.1); c.-10+522T>C (NM_001370317.1); c.-49+522T>C (NM_001370322.1); c.-146+522T>C (NM_001370318.1, NM_001370321.1); c.135+100T>C (NM_001370316.1, NM_001370315.1); c.-146+100T>C (NM_001370325.1, NM_001017524.3, NM_001370323.1); short protein forms F79L.
Identifiers: ClinVar variation 708797 (VCV000708797.6), dbSNP rs143632880, ClinGen allele CA5771288.
Genomic context (GRCh38, chr11:236,094, plus strand): 5'-CTTGCCCAAAATACCTCGAAAAGAAGAAACTGGGAGCTGCTGCCCTCGGCTGCCTCCGGA[A>G]TGCCCTGGGCACCTCGGGTCTGGGAGGCCTCTGCAAGGGGCGCGCCGGGTCCAAGGGCTC-3'
Protein context (NP_036371.1, residues 69-89): RPPRPEVPRA[Phe79Leu]RRQPRAAAPS